The following is an entry in ClinVar:

ClinVar aggregate classification (germline): Likely benign (1 of 4 stars; one submission).

Allele frequency attached by ClinVar (database versions not stated): gnomAD 0.00048; gnomAD exomes 0.00069; ExAC 0.00105; 1000 Genomes Project 30x 0.00125; 1000 Genomes Project 0.00140.

Submission:

CeGaT Center for Human Genetics Tuebingen
Classification: Likely benign. Last evaluated: 2024-04-01. Review status: criteria provided, single submitter. Criteria: CeGaT Center For Human Genetics Tuebingen Variant Classification Criteria Version 2. Collection method: clinical testing. Allele origin: germline. Affected: yes. Observed: 1 variant allele.
Comment: USP41P: BP4, BS2

NC_000022.11:g.20369492G>A

Gene: USP41 (ubiquitin specific peptidase 41; minus strand). Cytogenetic location: 22q11.21.
Variant type: single nucleotide variant.
Genome position: GRCh38 VCF-style: chr22-20369492-G-A. GRCh37 (hg19) VCF-style: chr22-20723782-G-A.
Identifiers: ClinVar variation 3234184 (VCV003234184.20), dbSNP rs558281205, ClinGen allele CA10111420.